The following is an entry in ClinVar:

NM_003560.4(PLA2G6):c.1381C>T (p.Arg461Trp)

Gene: PLA2G6 (phospholipase A2 group VI; minus strand). Cytogenetic location: 22q13.1.
Variant type: single nucleotide variant.
Coding change: c.1381C>T on transcript NM_003560.4 (MANE Select); coding-DNA position 1381, C replaced by T.
Protein change: p.Arg461Trp; replaces arginine 461 with tryptophan.
Molecular consequence: missense variant.
Genome position (GRCh38, 1-based): chr22:38,126,417, G>A on the plus strand (C>T on the coding strand, the complement: PLA2G6 is on the minus strand). VCF-style: chr22-38126417-G-A. GRCh37 (hg19) VCF-style: chr22-38522424-G-A.
Other names: p.Arg461Trp; c.1219C>T, p.Arg407Trp (NM_001004426.3, NM_001199562.3, NM_001349865.2 and 1 more transcripts); c.1381C>T, p.Arg461Trp (NM_001349864.2); c.847C>T, p.Arg283Trp (NM_001349867.2); c.703C>T, p.Arg235Trp (NM_001349868.2); c.685C>T, p.Arg229Trp (NM_001349869.2); short protein forms R461W, R407W, R229W, R235W, R283W.
Identifiers: ClinVar variation 459996 (VCV000459996.13), dbSNP rs76718524, ClinGen allele CA10230888.
Genomic context (GRCh38, chr22:38,126,417, plus strand): 5'-CTCGATCCACTTACGTCCGCTTCTCGTCCCTCATGGAGCCCAGGATGAACGCTGGCTTCC[G>A]GGCCCGTGAGATGTGCATGAGATCCTGTAGTTCTGTGAGGCACAGAGCAGGGCATGCTGT-3'
Protein context (NP_003551.2, residues 451-471): LQDLMHISRA[Arg461Trp]KPAFILGSMR

ClinVar aggregate classification (germline): Uncertain significance. Review status: criteria provided, multiple submitters, no conflicts (2 of 4 stars). 5 submissions from 5 submitters: Uncertain significance (5). Last evaluated 2025-06-26.

Conditions:
Infantile neuroaxonal dystrophy (NBIA2A). Also called: NEURODEGENERATION WITH BRAIN IRON ACCUMULATION 2A; SEITELBERGER DISEASE; Infantile neuroaxonal dystrophy 1. Identifiers: Orphanet 35069, MedGen C0270724, MONDO:0024457, OMIM 256600.
Neurodegeneration with brain iron accumulation 2B. Also called: aNAD; atypical Neuroaxonal Dystrophy (aNAD); NEUROAXONAL DYSTROPHY, ATYPICAL; NEURODEGENERATION WITH BRAIN IRON ACCUMULATION, PLA2G6-RELATED. Identifiers: Orphanet 35069, MedGen C1857747, MONDO:0012444, OMIM 610217.
Autosomal recessive Parkinson disease 14. Also called: DYSTONIA-PARKINSONISM, ADULT-ONSET; PARKINSON DISEASE 14. Identifiers: Orphanet 199351, MedGen C2751842, MONDO:0013060, OMIM 612953.

Allele frequency attached by ClinVar (database versions not stated): 1000 Genomes Project 0.00020; 1000 Genomes Project 30x 0.00031; TOPMed 0.00014; ESP Exome Variant Server 0.00015; gnomAD 0.00019.
gnomAD v4.1: 275 of 1,613,576 alleles (0.017%); highest among the groups gnomAD compares: Non-Finnish European, 0.021%; no homozygotes.

Submissions (5):

GeneDx
Classification: Uncertain significance. Last evaluated: 2025-06-26. Review status: criteria provided, single submitter. Criteria: GeneDx Variant Classification Process June 2021. Collection method: clinical testing. Allele origin: germline. Affected: yes.
Comment: Previously reported in the heterozygous state in an individual with early onset Parkinson disease; variant was also observed in an individual in the control population (PMID: 21812034).; In silico analysis suggests that this missense variant does not alter protein structure/function; This variant is associated with the following publications: (PMID: 22575062, 21812034, 35810474)

Blueprint Genetics
Classification: Uncertain significance. Last evaluated: 2024-08-07. Review status: criteria provided, single submitter. Criteria: ACMG Guidelines, 2015. Collection method: clinical testing. Allele origin: germline.

Mayo Clinic Laboratories, Mayo Clinic
Classification: Uncertain significance. Last evaluated: 2023-08-30. Review status: criteria provided, single submitter. Criteria: ACMG Guidelines, 2015. Collection method: clinical testing. Allele origin: germline. Observed: 1 variant allele.

Labcorp Genetics (formerly Invitae), Labcorp
Classification: Uncertain significance for Infantile neuroaxonal dystrophy. Last evaluated: 2022-07-04. Review status: criteria provided, single submitter. Criteria: Invitae Variant Classification Sherloc (09022015). Collection method: clinical testing. Allele origin: germline.
Comment: This sequence change replaces arginine, which is basic and polar, with tryptophan, which is neutral and slightly polar, at codon 461 of the PLA2G6 protein (p.Arg461Trp). This variant is present in population databases (rs76718524, gnomAD 0.02%). This missense change has been observed in individual(s) with early-onset Parkinson disease (PMID: 21812034). ClinVar contains an entry for this variant (Variation ID: 459996). Advanced modeling of protein sequence and biophysical properties (such as structural, functional, and spatial information, amino acid conservation, physicochemical variation, residue mobility, and thermodynamic stability) performed at Invitae indicates that this missense variant is expected to disrupt PLA2G6 protein function. In summary, the available evidence is currently insufficient to determine the role of this variant in disease. Therefore, it has been classified as a Variant of Uncertain Significance.

Fulgent Genetics
Classification: Uncertain significance for Infantile neuroaxonal dystrophy; Neurodegeneration with brain iron accumulation 2B; Autosomal recessive Parkinson disease 14. Last evaluated: 2022-04-07. Review status: criteria provided, single submitter. Criteria: ACMG Guidelines, 2015. Collection method: clinical testing. Allele origin: unknown.

Literature cited by the submitters: PubMed 21812034 (cited by Mayo Clinic Laboratories, Mayo Clinic and Labcorp Genetics (formerly Invitae), Labcorp).